The following is an entry in ClinVar:

ClinVar aggregate classification (germline): Uncertain significance (1 of 4 stars; one submission).

Submission:

Ambry Genetics
Classification: Uncertain significance. Last evaluated: 2024-01-21. Review status: criteria provided, single submitter. Criteria: Ambry Variant Classification Scheme 2023. Collection method: clinical testing. Allele origin: germline.
Comment: The p.S47A variant (also known as c.139T>G), located in coding exon 1 of the EGLN2 gene, results from a T to G substitution at nucleotide position 139. The serine at codon 47 is replaced by alanine, an amino acid with similar properties. This amino acid position is conserved. In addition, this alteration is predicted to be tolerated by in silico analysis. Based on the available evidence, the clinical significance of this alteration remains unclear.

NM_080732.4(EGLN2):c.139T>G (p.Ser47Ala)

Genes: EGLN2 (egl-9 family hypoxia inducible factor 2; plus strand), RAB4B-EGLN2 (RAB4B-EGLN2 readthrough (NMD candidate); plus strand). Cytogenetic location: 19q13.2.
Variant type: single nucleotide variant.
Coding change: c.139T>G on transcript NM_080732.4 (MANE Select); coding-DNA position 139, T replaced by G.
Protein change: p.Ser47Ala; replaces serine 47 with alanine.
Molecular consequence: missense variant. On other transcripts: non-coding transcript variant (1).
Genome position (GRCh38, 1-based): chr19:40,800,711, T>G. VCF-style: chr19-40800711-T-G. GRCh37 (hg19) VCF-style: chr19-41306616-T-G.
Other names: c.139T>G, p.Ser47Ala (NM_053046.4); short protein forms S47A.
Identifiers: ClinVar variation 3228985 (VCV003228985.1), dbSNP rs2515992881, ClinGen allele CA405954636.
Genomic context (GRCh38, chr19:40,800,711, plus strand): 5'-CCTGAGCCTGGCCGGGCCAGGATGGGAGTGGAGAGTTACCTGCCCTGTCCCCTGCTCCCC[T>G]CCTACCACTGTCCAGGAGTGCCTAGTGAGGCCTCGGCAGGGAGTGGGACCCCCAGAGCCA-3'
Protein context (NP_542770.2, residues 37-57): ESYLPCPLLP[Ser47Ala]YHCPGVPSEA